The following is an entry in ClinVar:

ClinVar aggregate classification (germline): Benign (1 of 4 stars; one submission).

Conditions:
Amelocerebrohypohidrotic syndrome (KTZS). Also called: EPILEPSY AND YELLOW TEETH; EPILEPSY, DEMENTIA, AND AMELOGENESIS IMPERFECTA; KOHLSCHUTTER SYNDROME; Kohlschutter's syndrome. Identifiers: Orphanet 1946, MedGen C0406740, MONDO:0009185, OMIM 226750.

Allele frequency attached by ClinVar (database versions not stated): TOPMed 0.00641; gnomAD 0.00600 and 0.00642; 1000 Genomes Project 30x 0.00781; gnomAD exomes 0.00065; 1000 Genomes Project 0.00719.
gnomAD v4.1: 1,093 of 425,784 alleles (0.26%); highest among the groups gnomAD compares: African/African-American, 2%; 5 homozygotes.

Submission:

Illumina Laboratory Services, Illumina
Classification: Benign for Kohlschutter syndrome. Last evaluated: 2018-01-13. Review status: criteria provided, single submitter. Criteria: ICSL Variant Classification Criteria 13 December 2019. Collection method: clinical testing. Allele origin: germline.
Comment: This variant was observed in the ICSL laboratory as part of a predisposition screen in an ostensibly healthy population. It had not been previously curated by ICSL or reported in the Human Gene Mutation Database (HGMD: prior to June 1st, 2018), and was therefore a candidate for classification through an automated scoring system. Utilizing variant allele frequency, disease prevalence and penetrance estimates, and inheritance mode, an automated score was calculated to assess if this variant is too frequent to cause the disease. Based on the score and internal cut-off values, a variant classified as benign is not then subjected to further curation. The score for this variant resulted in a classification of benign for this disease.

NM_024589.3(ROGDI):c.*270T>C

Gene: ROGDI (rogdi atypical leucine zipper; minus strand). Cytogenetic location: 16p13.3.
Variant type: single nucleotide variant.
Coding change: c.*270T>C on transcript NM_024589.3 (MANE Select); 270 bases downstream of the stop codon, T replaced by C.
Molecular consequence: 3 prime UTR variant. On other transcripts: non-coding transcript variant (1).
Genome position (GRCh38, 1-based): chr16:4,797,190, A>G on the plus strand (T>C on the coding strand, the complement: ROGDI is on the minus strand). VCF-style: chr16-4797190-A-G. GRCh37 (hg19) VCF-style: chr16-4847191-A-G.
Identifiers: ClinVar variation 319395 (VCV000319395.5), dbSNP rs76192577, ClinGen allele CA10637832.